The following is an entry in ClinVar:

NM_003036.4(SKI):c.1308C>T (p.Ala436=)

Gene: SKI (SKI proto-oncogene; plus strand). Cytogenetic location: 1p36.32.
Variant type: single nucleotide variant.
Coding change: c.1308C>T on transcript NM_003036.4 (MANE Select); coding-DNA position 1308, C replaced by T.
Protein change: p.Ala436=; no amino-acid change (alanine 436 retained).
Molecular consequence: synonymous variant.
Genome position (GRCh38, 1-based): chr1:2,303,936, C>T. VCF-style: chr1-2303936-C-T. GRCh37 (hg19) VCF-style: chr1-2235375-C-T.
Identifiers: ClinVar variation 696198 (VCV000696198.40), dbSNP rs139034124, ClinGen allele CA536665.
Genomic context (GRCh38, chr1:2,303,936, plus strand): 5'-GCCCAACGTGGCCCTCGCACCGCCGGCCCAGCAGAAGGTTGTGAGCAGCCCTCCGTGTGC[C>T]GCCGCCGTCTCCCGGGCCCCCGAGCCTCTCGCCACTTGCACCCAGCCTCGGAAGCGGAAG-3'
Protein context (NP_003027.1, residues 426-446): QQKVVSSPPC[Ala436=]AAVSRAPEPL

ClinVar aggregate classification (germline): Benign/Likely benign. Review status: criteria provided, multiple submitters, no conflicts (2 of 4 stars). 5 submissions from 5 submitters: Benign (2); Likely benign (3). Last evaluated 2025-12-03.

Conditions:
Familial thoracic aortic aneurysm and aortic dissection (TAAD). Also called: Thoracic aortic aneurysms and dissections. Identifiers: Orphanet 91387, MedGen C4707243, MONDO:0019625.
Shprintzen-Goldberg syndrome (SGS). Also called: Marfanoid disorder with craniosynostosis type 1; Marfanoid craniosynostosis syndrome; Shprintzen-Goldberg marfanoid syndrome; SHPRINTZEN-GOLDBERG CRANIOSYNOSTOSIS SYNDROME; CRANIOSYNOSTOSIS WITH ARACHNODACTYLY AND ABDOMINAL HERNIAS. Identifiers: Orphanet 2462, MedGen C1321551, MONDO:0008426, OMIM 182212.

Allele frequency attached by ClinVar (database versions not stated): gnomAD exomes 0.00007 and 0.00016; ExAC 0.00019; ESP Exome Variant Server 0.00054; TOPMed 0.00058; gnomAD 0.00064; 1000 Genomes Project 30x 0.00109; 1000 Genomes Project 0.00120.
gnomAD v4.1: 195 of 1,611,782 alleles (0.012%); highest among the groups gnomAD compares: African/African-American, 0.21%; no homozygotes.

Submissions (5):

Labcorp Genetics (formerly Invitae), Labcorp
Classification: Benign for Shprintzen-Goldberg syndrome. Last evaluated: 2025-12-03. Review status: criteria provided, single submitter. Criteria: Invitae Variant Classification Sherloc (09022015). Collection method: clinical testing. Allele origin: germline.

CeGaT Center for Human Genetics Tuebingen
Classification: Benign. Last evaluated: 2022-07-01. Review status: criteria provided, single submitter. Criteria: CeGaT Center For Human Genetics Tuebingen Variant Classification Criteria Version 2. Collection method: clinical testing. Allele origin: germline. Affected: yes. Observed: 2 variant alleles.
Comment: SKI: BS1, BS2

Blueprint Genetics
Classification: Likely benign. Last evaluated: 2022-05-25. Review status: criteria provided, single submitter. Criteria: ACMG Guidelines, 2015. Collection method: clinical testing. Allele origin: germline.

GeneDx
Classification: Likely benign. Last evaluated: 2020-09-25. Review status: criteria provided, single submitter. Criteria: GeneDx Variant Classification Process June 2021. Collection method: clinical testing. Allele origin: germline. Affected: yes.

Ambry Genetics
Classification: Likely benign for Familial thoracic aortic aneurysm and aortic dissection. Last evaluated: 2020-03-24. Review status: criteria provided, single submitter. Criteria: Ambry Variant Classification Scheme 2023. Collection method: clinical testing. Allele origin: germline.